The following is an entry in ClinVar:

ClinVar aggregate classification (germline): Uncertain significance (1 of 4 stars; one submission).

Conditions:
Combined immunodeficiency due to STIM1 deficiency. Also called: IMMUNODEFICIENCY 10; STIM1 DEFICIENCY. Identifiers: Orphanet 169090, Orphanet 317430, MedGen C2748557, MONDO:0013008, OMIM 612783.
Myopathy with tubular aggregates (TAM). Also called: Tubular Aggregate Myopathy. Identifiers: Orphanet 2593, MedGen C0410207, MONDO:0008051.
Stormorken syndrome (STRMK). Also called: THROMBOCYTOPATHY, ASPLENIA, AND MIOSIS. Identifiers: Orphanet 3204, MedGen C1861451, MONDO:0008497, OMIM 185070.

Allele frequency attached by ClinVar (database versions not stated): gnomAD exomes below 0.00001 and 0.00001; TOPMed 0.00001; gnomAD 0.00002.
gnomAD v4.1: 6 of 1,614,030 alleles (0.00037%); highest among the groups gnomAD compares: East Asian, 0.013%; no homozygotes.

Submission:

Labcorp Genetics (formerly Invitae), Labcorp
Classification: Uncertain significance for Myopathy with tubular aggregates; Combined immunodeficiency due to STIM1 deficiency; Stormorken syndrome. Last evaluated: 2024-08-31. Review status: criteria provided, single submitter. Criteria: Invitae Variant Classification Sherloc (09022015). Collection method: clinical testing. Allele origin: germline.
Comment: This sequence change replaces lysine, which is basic and polar, with glutamic acid, which is acidic and polar, at codon 285 of the STIM1 protein (p.Lys285Glu). This variant is present in population databases (no rsID available, gnomAD 0.03%). This variant has not been reported in the literature in individuals affected with STIM1-related conditions. ClinVar contains an entry for this variant (Variation ID: 1009594). Invitae Evidence Modeling of protein sequence and biophysical properties (such as structural, functional, and spatial information, amino acid conservation, physicochemical variation, residue mobility, and thermodynamic stability) has been performed for this missense variant. However, the output from this modeling did not meet the statistical confidence thresholds required to predict the impact of this variant on STIM1 protein function. In summary, the available evidence is currently insufficient to determine the role of this variant in disease. Therefore, it has been classified as a Variant of Uncertain Significance.

NM_001382567.1(STIM1):c.853A>G (p.Lys285Glu)

Gene: STIM1 (stromal interaction molecule 1; plus strand). Cytogenetic location: 11p15.4.
Variant type: single nucleotide variant.
Coding change: c.853A>G on transcript NM_001382567.1 (MANE Select); coding-DNA position 853, A replaced by G.
Protein change: p.Lys285Glu; replaces lysine 285 with glutamic acid.
Molecular consequence: missense variant.
Genome position (GRCh38, 1-based): chr11:4,074,563, A>G. VCF-style: chr11-4074563-A-G. GRCh37 (hg19) VCF-style: chr11-4095793-A-G.
Other names: c.853A>G, p.Lys285Glu (NM_001277961.3, NM_001277962.2, NM_001382568.1 and 2 more transcripts); c.631A>G, p.Lys211Glu (NM_001382566.1, NM_001382573.1, NM_001382574.1 and 5 more transcripts); c.718A>G, p.Lys240Glu (NM_001382569.1); c.625A>G, p.Lys209Glu (NM_001382570.1); c.373A>G, p.Lys125Glu (NM_001382571.1); c.364A>G, p.Lys122Glu (NM_001382580.1, NM_001382581.1); short protein forms K122E, K125E, K209E, K211E, K240E, K285E.
Identifiers: ClinVar variation 1009594 (VCV001009594.9), dbSNP rs1474279628, ClinGen allele CA379190539.